The following is an entry in ClinVar:

ClinVar aggregate classification (germline): Conflicting classifications of pathogenicity. Review status: criteria provided, conflicting classifications (1 of 4 stars). 2 submissions from 2 submitters: Uncertain significance (1); Likely benign (1). Last evaluated 2024-03-07.

Conditions:
Arrhythmogenic cardiomyopathy with wooly hair and keratoderma. Also called: Dilated cardiomyopathy with woolly hair and keratoderma; PALMOPLANTAR KERATODERMA WITH LEFT VENTRICULAR CARDIOMYOPATHY AND WOOLLY HAIR; Carvajal syndrome; Arrhythmogenic cardiomyopathy with woolly hair and keratoderma. Identifiers: Orphanet 65282, MedGen C1854063, MONDO:0011581, OMIM 605676.
Arrhythmogenic right ventricular dysplasia 8 (ARVD8). Also called: Arrhythmogenic Right Ventricular Dysplasia/Cardiomyopathy 8; ARRHYTHMOGENIC RIGHT VENTRICULAR DYSPLASIA, FAMILIAL, 8; ARRHYTHMOGENIC RIGHT VENTRICULAR CARDIOMYOPATHY 8. Identifiers: MedGen C1843896, MONDO:0011831, OMIM 607450.
Cardiomyopathy (CMYO). Also called: Cardiomyopathies. Identifiers: Orphanet 167848, MedGen C0878544, MONDO:0004994, HP:0001638. Inheritance: Various modes of inheritance.

Allele frequency attached by ClinVar (database versions not stated): gnomAD exomes below 0.00001 and 0.00001; ExAC 0.00002.
gnomAD v4.1: 1 of 1,614,186 alleles (0.000062%); highest among the groups gnomAD compares: East Asian, 0.0022%; no homozygotes.

Submissions (2):

Color Diagnostics, LLC DBA Color Health
Classification: Uncertain significance for Cardiomyopathy. Last evaluated: 2024-03-07. Review status: criteria provided, single submitter. Criteria: ACMG Guidelines, 2015. Collection method: clinical testing. Allele origin: germline.
Comment: This missense variant replaces serine with cysteine at codon 2349 of the DSP protein. Computational prediction suggests that this variant may have deleterious impact on protein structure and function (internally defined REVEL score threshold >= 0.7, PMID: 27666373). To our knowledge, functional studies have not been reported for this variant. This variant has not been reported in individuals affected with cardiovascular disorders in the literature. This variant has been identified in 2/251412 chromosomes in the general population by the Genome Aggregation Database (gnomAD). The available evidence is insufficient to determine the role of this variant in disease conclusively. Therefore, this variant is classified as a Variant of Uncertain Significance.

Labcorp Genetics (formerly Invitae), Labcorp
Classification: Likely benign for Arrhythmogenic cardiomyopathy with wooly hair and keratoderma; Arrhythmogenic right ventricular dysplasia 8. Last evaluated: 2024-01-24. Review status: criteria provided, single submitter. Criteria: Invitae Variant Classification Sherloc (09022015). Collection method: clinical testing. Allele origin: germline.

NM_004415.4(DSP):c.7046C>G (p.Ser2349Cys)

Gene: DSP (desmoplakin; plus strand). Cytogenetic location: 6p24.3.
Variant type: single nucleotide variant.
Coding change: c.7046C>G on transcript NM_004415.4 (MANE Select); coding-DNA position 7046, C replaced by G.
Protein change: p.Ser2349Cys; replaces serine 2349 with cysteine.
Molecular consequence: missense variant.
Genome position (GRCh38, 1-based): chr6:7,584,308, C>G. VCF-style: chr6-7584308-C-G. GRCh37 (hg19) VCF-style: chr6-7584541-C-G.
Other names: c.5249C>G, p.Ser1750Cys (NM_001008844.3); c.5717C>G, p.Ser1906Cys (NM_001319034.2); short protein forms S1750C, S1906C, S2349C.
Identifiers: ClinVar variation 1171313 (VCV001171313.11), dbSNP rs769930190, ClinGen allele CA049032.